The following is an entry in ClinVar:

NM_018013.4(SOBP):c.2232GCC[8] (p.Pro751dup)

Gene: SOBP (sine oculis binding protein homolog; plus strand). Cytogenetic location: 6q21.
Variant type: Microsatellite.
Coding change: c.2232GCC[8] on transcript NM_018013.4 (MANE Select); eight copies in a row of the 3-base unit GCC starting at c.2232; the reference has seven copies in a row; one copy, 3 bases duplicated.
Protein change: p.Pro751dup; duplicates proline 751.
Molecular consequence: inframe insertion.
Genome position (GRCh38, 1-based): chr6:107,635,094-107,635,096, GCC duplicated; duplicating any 3 consecutive bases within chr6:107,635,076-107,635,096 gives the same sequence; the position shown is the placement nearest the transcript's 3' end. VCF-style (leftmost placement, unchanged base first): chr6-107635075-A-AGCC. GRCh37 (hg19) VCF-style: chr6-107956279-A-AGCC.
Other names: c.2250_2252dupGCC (NM_018013.3).
Identifiers: ClinVar variation 716871 (VCV000716871.10), dbSNP rs541688197, ClinGen allele CA3946623.

ClinVar aggregate classification (germline): Benign. Review status: criteria provided, multiple submitters, no conflicts (2 of 4 stars). 3 submissions from 3 submitters: Benign (2). 1 of the submissions does not count toward it. Last evaluated 2019-12-31.

Conditions:
SOBP-related disorder. Also called: SOBP-related condition.

Submissions (3):

Labcorp Genetics (formerly Invitae), Labcorp
Classification: Benign. Last evaluated: 2019-12-31. Review status: criteria provided, single submitter. Criteria: Invitae Variant Classification Sherloc (09022015). Collection method: clinical testing. Allele origin: germline.

Genetic Services Laboratory, University of Chicago
Classification: Benign. Last evaluated: 2019-06-07. Review status: criteria provided, single submitter. Criteria: ACMG Guidelines, 2015. Collection method: clinical testing. Allele origin: germline. Affected: no.

PreventionGenetics, part of Exact Sciences
Classification: Likely benign for SOBP-related condition. Last evaluated: 2019-10-01. Review status: no assertion criteria provided. Collection method: clinical testing. Allele origin: germline. Not counted in ClinVar's aggregate classification.
Comment: This variant is classified as likely benign based on ACMG/AMP sequence variant interpretation guidelines (Richards et al. 2015 PMID: 25741868, with internal and published modifications).